The following is an entry in ClinVar:

ClinVar aggregate classification (germline): Uncertain significance (1 of 4 stars; one submission).

Conditions:
Hypoproteinemia, hypercatabolic (IMD43). Also called: IMMUNODEFICIENCY 43; BETA-2-MICROGLOBULIN DEFICIENCY; B2M DEFICIENCY; MHC CLASS I DEFICIENCY 4. Identifiers: MedGen C1855796, MONDO:0009434, OMIM 241600.

Allele frequency attached by ClinVar (database versions not stated): gnomAD exomes below 0.00001.
gnomAD v4.1: 2 of 1,613,900 alleles (0.00012%); highest among the groups gnomAD compares: Admixed American, 0.0033%; no homozygotes.

Submission:

Labcorp Genetics (formerly Invitae), Labcorp
Classification: Uncertain significance for Hypoproteinemia, hypercatabolic. Last evaluated: 2022-09-07. Review status: criteria provided, single submitter. Criteria: Invitae Variant Classification Sherloc (09022015). Collection method: clinical testing. Allele origin: germline.
Comment: This sequence change replaces valine, which is neutral and non-polar, with phenylalanine, which is neutral and non-polar, at codon 29 of the B2M protein (p.Val29Phe). This variant is present in population databases (no rsID available, gnomAD 0.003%). This variant has not been reported in the literature in individuals affected with B2M-related conditions. ClinVar contains an entry for this variant (Variation ID: 841336). Algorithms developed to predict the effect of missense changes on protein structure and function are either unavailable or do not agree on the potential impact of this missense change (SIFT: "Deleterious"; PolyPhen-2: "Probably Damaging"; Align-GVGD: "Class C0"). In summary, the available evidence is currently insufficient to determine the role of this variant in disease. Therefore, it has been classified as a Variant of Uncertain Significance.

NM_004048.4(B2M):c.85G>T (p.Val29Phe)

Gene: B2M (beta-2-microglobulin; plus strand). Cytogenetic location: 15q21.1.
Variant type: single nucleotide variant.
Coding change: c.85G>T on transcript NM_004048.4 (MANE Select); coding-DNA position 85, G replaced by T.
Protein change: p.Val29Phe; replaces valine 29 with phenylalanine.
Molecular consequence: missense variant.
Genome position (GRCh38, 1-based): chr15:44,715,440, G>T. VCF-style: chr15-44715440-G-T. GRCh37 (hg19) VCF-style: chr15-45007638-G-T.
Other names: short protein forms V29F.
Identifiers: ClinVar variation 841336 (VCV000841336.5), dbSNP rs1304731273, ClinGen allele CA392232608.